The following is an entry in ClinVar:

NM_199461.4(NANOS1):c.53C>T (p.Pro18Leu)

Gene: NANOS1 (nanos C2HC-type zinc finger 1; plus strand). Cytogenetic location: 10q26.11.
Variant type: single nucleotide variant.
Coding change: c.53C>T on transcript NM_199461.4 (MANE Select); coding-DNA position 53, C replaced by T.
Protein change: p.Pro18Leu; replaces proline 18 with leucine.
Molecular consequence: missense variant.
Genome position (GRCh38, 1-based): chr10:119,029,854, C>T. VCF-style: chr10-119029854-C-T. GRCh37 (hg19) VCF-style: chr10-120789366-C-T.
Other names: short protein forms P18L.
Identifiers: ClinVar variation 2350957 (VCV002350957.17), dbSNP rs757643633, ClinGen allele CA5712742.

ClinVar aggregate classification (germline): Conflicting classifications of pathogenicity. Review status: criteria provided, conflicting classifications (1 of 4 stars). 2 submissions from 2 submitters: Uncertain significance (1); Benign (1). Last evaluated 2024-11-01.

Allele frequency attached by ClinVar (database versions not stated): 1000 Genomes Project 30x 0.00031; ExAC 0.01471.

Submissions (2):

CeGaT Center for Human Genetics Tuebingen
Classification: Benign. Last evaluated: 2024-11-01. Review status: criteria provided, single submitter. Criteria: CeGaT Center For Human Genetics Tuebingen Variant Classification Criteria Version 2. Collection method: clinical testing. Allele origin: germline. Affected: yes. Observed: 1 variant allele.
Comment: NANOS1: PP2, BS1, BS2

Ambry Genetics
Classification: Uncertain significance. Last evaluated: 2024-06-07. Review status: criteria provided, single submitter. Criteria: Ambry Variant Classification Scheme 2023. Collection method: clinical testing. Allele origin: germline.